The following is an entry in ClinVar:

ClinVar aggregate classification (germline): Uncertain significance. Review status: criteria provided, multiple submitters, no conflicts (2 of 4 stars). 3 submissions from 3 submitters: Uncertain significance (3). Last evaluated 2025-05-19.

Conditions:
Inborn genetic diseases. Identifiers: MedGen C0950123, MeSH D030342.

Allele frequency attached by ClinVar (database versions not stated): gnomAD exomes 0.00001; TOPMed 0.00001.
gnomAD v4.1: 8 of 1,613,962 alleles (0.0005%); highest among the groups gnomAD compares: Non-Finnish European, 0.00059%; no homozygotes.

Submissions (3):

Ambry Genetics
Classification: Uncertain significance for Inborn genetic diseases. Last evaluated: 2025-05-19. Review status: criteria provided, single submitter. Criteria: Ambry Variant Classification Scheme 2023. Collection method: clinical testing. Allele origin: germline.

GeneDx
Classification: Uncertain significance. Last evaluated: 2024-03-27. Review status: criteria provided, single submitter. Criteria: GeneDx Variant Classification Process June 2021. Collection method: clinical testing. Allele origin: germline. Affected: yes.
Comment: Not observed at significant frequency in large population cohorts (gnomAD); In silico analysis supports that this missense variant does not alter protein structure/function; Has not been previously published as pathogenic or benign to our knowledge; Occurs in the triple helical domain at the X position in the canonical Gly-X-Y repeat; although this variant may have an effect on normal protein folding and function, missense substitution at the X position is not a common mechanism of disease (HGMD)

Labcorp Genetics (formerly Invitae), Labcorp
Classification: Uncertain significance. Last evaluated: 2023-04-16. Review status: criteria provided, single submitter. Criteria: Invitae Variant Classification Sherloc (09022015). Collection method: clinical testing. Allele origin: germline.
Comment: In summary, the available evidence is currently insufficient to determine the role of this variant in disease. Therefore, it has been classified as a Variant of Uncertain Significance. Advanced modeling of protein sequence and biophysical properties (such as structural, functional, and spatial information, amino acid conservation, physicochemical variation, residue mobility, and thermodynamic stability) performed at Invitae indicates that this missense variant is not expected to disrupt COL2A1 protein function. ClinVar contains an entry for this variant (Variation ID: 1356415). This variant has not been reported in the literature in individuals affected with COL2A1-related conditions. This variant is not present in population databases (gnomAD no frequency). This sequence change replaces alanine, which is neutral and non-polar, with serine, which is neutral and polar, at codon 559 of the COL2A1 protein (p.Ala559Ser).

NM_001844.5(COL2A1):c.1675G>T (p.Ala559Ser)

Gene: COL2A1 (collagen type II alpha 1 chain; minus strand). Cytogenetic location: 12q13.11.
Variant type: single nucleotide variant.
Coding change: c.1675G>T on transcript NM_001844.5 (MANE Select); coding-DNA position 1675, G replaced by T.
Protein change: p.Ala559Ser; replaces alanine 559 with serine.
Molecular consequence: missense variant.
Genome position (GRCh38, 1-based): chr12:47,985,733, C>A on the plus strand (G>T on the coding strand, the complement: COL2A1 is on the minus strand). VCF-style: chr12-47985733-C-A. GRCh37 (hg19) VCF-style: chr12-48379516-C-A.
Other names: c.1468G>T, p.Ala490Ser (NM_033150.3); c.1675G>T (NM_001844.4); short protein forms A559S, A490S.
Identifiers: ClinVar variation 1356415 (VCV001356415.10), dbSNP rs1424853323, ClinGen allele CA384551327.